The following is an entry in ClinVar:

ClinVar aggregate classification (germline): Benign/Likely benign. Review status: criteria provided, multiple submitters, no conflicts (2 of 4 stars). 7 submissions from 6 submitters: Benign (4); Likely benign (3). Last evaluated 2026-02-01.

Conditions:
Familial juvenile hyperuricemic nephropathy type 2 (ADTKD4). Also called: EARLY-ONSET HYPERURICEMIA, ANEMIA, AND PROGRESSIVE KIDNEY FAILURE; Autosomal Dominant Tubulointerstitial Kidney Disease – REN. Identifiers: Orphanet 217330, MedGen C2751310, MONDO:0013128, OMIM 613092.
Renal tubular dysgenesis of genetic origin. Also called: PRIMITIVE RENAL TUBULE SYNDROME. Identifiers: Orphanet 97369, MedGen C5681536, MONDO:0009970, OMIM 267430.
Kidney disorder. Also called: renal disorder; Nephropathy; Kidney disease; Kidney Diseases; renal disease. Identifiers: MedGen C0022658, MONDO:0005240, HP:0000112.
Renal tubular dysgenesis. Also called: Renotubular dysgenesis. Identifiers: Orphanet 3033, MedGen C0266313, MONDO:0017609, HP:0008660.

Allele frequency attached by ClinVar (database versions not stated): gnomAD exomes 0.00093 and 0.00263; ExAC 0.00315; 1000 Genomes Project 0.00819; 1000 Genomes Project 30x 0.00953; ESP Exome Variant Server 0.00953; gnomAD 0.00982 and 0.01062; TOPMed 0.01152.
gnomAD v4.1: 2,907 of 1,609,444 alleles (0.18%); highest among the groups gnomAD compares: African/African-American, 3.5%; 46 homozygotes.

Submissions (7):

Labcorp Genetics (formerly Invitae), Labcorp
Classification: Benign. Last evaluated: 2026-02-01. Review status: criteria provided, single submitter. Criteria: Invitae Variant Classification Sherloc (09022015). Collection method: clinical testing. Allele origin: germline.

Genomic Medicine Center of Excellence, King Faisal Specialist Hospital and Research Centre
Classification: Likely benign. Last evaluated: 2025-08-18. Review status: criteria provided, single submitter. Criteria: ACMG Guidelines, 2015. Collection method: clinical testing. Allele origin: germline.

Fulgent Genetics
Classification: Likely benign for Renal tubular dysgenesis of genetic origin; Familial juvenile hyperuricemic nephropathy type 2. Last evaluated: 2022-05-04. Review status: criteria provided, single submitter. Criteria: ACMG Guidelines, 2015. Collection method: clinical testing. Allele origin: unknown.

Illumina Laboratory Services, Illumina
Classification: Benign for Renal tubular dysgenesis of genetic origin. Last evaluated: 2018-01-13. Review status: criteria provided, single submitter. Criteria: ICSL Variant Classification Criteria 13 December 2019. Collection method: clinical testing. Allele origin: germline.
Comment: This variant was observed in the ICSL laboratory as part of a predisposition screen in an ostensibly healthy population. It had not been previously curated by ICSL or reported in the Human Gene Mutation Database (HGMD: prior to June 1st, 2018), and was therefore a candidate for classification through an automated scoring system. Utilizing variant allele frequency, disease prevalence and penetrance estimates, and inheritance mode, an automated score was calculated to assess if this variant is too frequent to cause the disease. Based on the score and internal cut-off values, a variant classified as benign is not then subjected to further curation. The score for this variant resulted in a classification of benign for this disease.

Illumina Laboratory Services, Illumina
Classification: Benign for Familial juvenile hyperuricemic nephropathy type 2. Last evaluated: 2018-01-13. Review status: criteria provided, single submitter. Criteria: ICSL Variant Classification Criteria 13 December 2019. Collection method: clinical testing. Allele origin: germline.
Comment: the same text as in the submission from Illumina Laboratory Services, Illumina above.

Genome Diagnostics Laboratory, The Hospital for Sick Children
Classification: Likely benign for Kidney disorder. Last evaluated: 2017-02-13. Review status: criteria provided, single submitter. Criteria: ACMG Guidelines, 2015. Collection method: clinical testing. Allele origin: germline.

Breakthrough Genomics
Classification: Benign. Review status: criteria provided, single submitter. Criteria: ACMG Guidelines, 2015. Collection method: not provided. Allele origin: germline. Inheritance: Autosomal recessive inheritance. Affected: yes.

NM_000537.4(REN):c.492+3A>G

Gene: REN (renin; minus strand). Cytogenetic location: 1q32.1.
Variant type: single nucleotide variant.
Coding change: c.492+3A>G on transcript NM_000537.4 (MANE Select); 3 bases into the intron after coding-DNA position 492, A replaced by G.
Molecular consequence: intron variant.
Genome position (GRCh38, 1-based): chr1:204,160,557, T>C on the plus strand (A>G on the coding strand, the complement: REN is on the minus strand). VCF-style: chr1-204160557-T-C. GRCh37 (hg19) VCF-style: chr1-204129685-T-C.
Identifiers: ClinVar variation 294959 (VCV000294959.20), dbSNP rs5706, ClinGen allele CA1344927.
Genomic context (GRCh38, chr1:204,160,557, plus strand): 5'-GGTCAGGAGAGGCCTGGGGACAGAAGGGGTCCGGGGCAGATGACCTAGGGCGGCCCAACT[T>C]ACGGTGATGATGTCCTGGCTGAGAAAGCCACTGACTGTCCCTGTTGAATAGCGGAGGGTG-3'